The following is an entry in ClinVar:

NM_000059.4(BRCA2):c.8453T>C (p.Val2818Ala)

Gene: BRCA2 (BRCA2 DNA repair associated; plus strand). Cytogenetic location: 13q13.1.
Variant type: single nucleotide variant.
Coding change: c.8453T>C on transcript NM_000059.4 (MANE Select); coding-DNA position 8453, T replaced by C.
Protein change: p.Val2818Ala; replaces valine 2818 with alanine.
Molecular consequence: missense variant.
Genome position (GRCh38, 1-based): chr13:32,370,523, T>C. VCF-style: chr13-32370523-T-C. GRCh37 (hg19) VCF-style: chr13-32944660-T-C.
Other names: short protein forms V2818A.
Identifiers: ClinVar variation 1477688 (VCV001477688.8), dbSNP rs2137597758, ClinGen allele CA387752586.
Genomic context (GRCh38, chr13:32,370,523, plus strand): 5'-CTAGACCTTTTCCTCTGCCCTTATCATCGCTTTTCAGTGATGGAGGAAATGTTGGTTGTG[T>C]TGATGTAATTATTCAAAGAGCATACCCTATACAGGTATGATGTATTCTTGAAACTTACCA-3'
Protein context (NP_000050.3, residues 2808-2828): LFSDGGNVGC[Val2818Ala]DVIIQRAYPI

ClinVar aggregate classification (germline): Uncertain significance (1 of 4 stars; one submission).

Conditions:
Hereditary breast ovarian cancer syndrome. Also called: Hereditary breast and ovarian cancer; BRCA1- and BRCA2-Associated Hereditary Breast and Ovarian Cancer; Hereditary breast and ovarian cancer syndrome; Hereditary breast and ovarian cancer syndrome (HBOC); Breast and ovarian cancer; Hereditary breast and/or ovarian cancer syndrome. Identifiers: Orphanet 145, MedGen C0677776, MeSH D061325, MONDO:0003582. Disease mechanism: loss of function.

Submission:

Labcorp Genetics (formerly Invitae), Labcorp
Classification: Uncertain significance for Hereditary breast ovarian cancer syndrome. Last evaluated: 2021-03-29. Review status: criteria provided, single submitter. Criteria: Invitae Variant Classification Sherloc (09022015). Collection method: clinical testing. Allele origin: germline.
Comment: Advanced modeling of protein sequence and biophysical properties (such as structural, functional, and spatial information, amino acid conservation, physicochemical variation, residue mobility, and thermodynamic stability) performed at Invitae indicates that this missense variant is not expected to disrupt BRCA2 protein function. This variant has not been reported in the literature in individuals with BRCA2-related conditions. This variant is not present in population databases (ExAC no frequency). In summary, the available evidence is currently insufficient to determine the role of this variant in disease. Therefore, it has been classified as a Variant of Uncertain Significance. This sequence change replaces valine with alanine at codon 2818 of the BRCA2 protein (p.Val2818Ala). The valine residue is highly conserved and there is a small physicochemical difference between valine and alanine.